The following is an entry in ClinVar:

NM_019112.4(ABCA7):c.4764+5G>A

Gene: ABCA7 (ATP binding cassette subfamily A member 7; plus strand). Cytogenetic location: 19p13.3.
Variant type: single nucleotide variant.
Coding change: c.4764+5G>A on transcript NM_019112.4 (MANE Select); 5 bases into the intron after coding-DNA position 4764, G replaced by A.
Molecular consequence: intron variant.
Genome position (GRCh38, 1-based): chr19:1,057,089, G>A. VCF-style: chr19-1057089-G-A. GRCh37 (hg19) VCF-style: chr19-1057088-G-A.
Identifiers: ClinVar variation 4687283 (VCV004687283.1).

ClinVar aggregate classification (germline): Uncertain significance (1 of 4 stars; one submission).

gnomAD v4.1: 250 of 1,609,192 alleles (0.016%); highest among the groups gnomAD compares: Non-Finnish European, 0.019%; 1 homozygote.

Submission:

Women's Health and Genetics/Laboratory Corporation of America, LabCorp
Classification: Uncertain significance. Last evaluated: 2025-10-15. Review status: criteria provided, single submitter. Criteria: LabCorp Variant Classification Summary - May 2015. Collection method: clinical testing. Allele origin: germline.
Comment: Variant summary: ABCA7 c.4764+5G>A alters a nucleotide located close to a canonical splice site and therefore could affect mRNA splicing, leading to a significantly altered protein sequence. Several computational tools predict a significant impact on normal splicing: Two predict the variant abolishes a 5' splicing donor site. One predicts the variant weakens a 5' donor site. However, these predictions have yet to be confirmed by functional studies. The variant allele was found at a frequency of 0.00016 in 245816 control chromosomes (gnomAD). This frequency is not significantly higher than estimated for disease-causing variants in ABCA7, allowing no conclusion about variant significance. To our knowledge, no occurrence of c.4764+5G>A in individuals affected with ABCA7-related conditions and no experimental evidence demonstrating its impact on protein function have been reported. No submitters have cited clinical-significance assessments for this variant to ClinVar. Based on the evidence outlined above, the variant was classified as uncertain significance.